The following is an entry in ClinVar:

ClinVar aggregate classification (germline): Uncertain significance (1 of 4 stars; one submission).

Conditions:
Carpenter syndrome. Identifiers: Orphanet 65759, MedGen C1275078, MONDO:0019012.

Submission:

Labcorp Genetics (formerly Invitae), Labcorp
Classification: Uncertain significance for Carpenter syndrome. Last evaluated: 2022-09-13. Review status: criteria provided, single submitter. Criteria: Invitae Variant Classification Sherloc (09022015). Collection method: clinical testing. Allele origin: germline.
Comment: This sequence change creates a premature translational stop signal (p.Gln175Thrfs*5) in the RAB23 gene. While this is not anticipated to result in nonsense mediated decay, it is expected to disrupt the last 63 amino acid(s) of the RAB23 protein. This variant is not present in population databases (gnomAD no frequency). This variant has not been reported in the literature in individuals affected with RAB23-related conditions. Experimental studies and prediction algorithms are not available or were not evaluated, and the functional significance of this variant is currently unknown. In summary, the available evidence is currently insufficient to determine the role of this variant in disease. Therefore, it has been classified as a Variant of Uncertain Significance.

NM_016277.5(RAB23):c.522dup (p.Gln175fs)

Gene: RAB23 (RAB23, member RAS oncogene family; minus strand). Cytogenetic location: 6p12.1.
Variant type: Duplication.
Coding change: c.522dup on transcript NM_016277.5 (MANE Select); coding-DNA position 522, one base duplicated (A; older notation c.522dupA).
Protein change: p.Gln175fs; shifts the reading frame from glutamine 175.
Molecular consequence: frameshift variant. On other transcripts: non-coding transcript variant (1).
Genome position (GRCh38, 1-based): chr6:57,193,894, T duplicated on the plus strand (A on the coding strand, the reverse complement: RAB23 is on the minus strand); the first of 3 consecutive T bases (chr6:57,193,894-57,193,896); duplicating any one gives the same sequence. VCF-style (leftmost placement, unchanged base first): chr6-57193893-G-GT. GRCh37 (hg19) VCF-style: chr6-57058691-G-GT.
Other names: c.522dup, p.Gln175fs (NM_001278666.2, NM_001278667.2, NM_001278668.2 and 1 more transcripts); short protein forms Q175fs.
Identifiers: ClinVar variation 2114151 (VCV002114151.1), dbSNP rs2533175452, ClinGen allele CA2580075604.